The following is an entry in ClinVar:

NM_001042492.3(NF1):c.7190-2A>G

Gene: NF1 (neurofibromin 1; plus strand). Cytogenetic location: 17q11.2.
Variant type: single nucleotide variant.
Coding change: c.7190-2A>G on transcript NM_001042492.3 (MANE Select); the canonical splice acceptor site of the intron before coding-DNA position 7190, A replaced by G.
Molecular consequence: splice acceptor variant.
Genome position (GRCh38, 1-based): chr17:31,349,118, A>G. VCF-style: chr17-31349118-A-G. GRCh37 (hg19) VCF-style: chr17-29676136-A-G.
Other names: c.7127-2A>G (NM_000267.4).
Identifiers: ClinVar variation 404526 (VCV000404526.5), dbSNP rs772348111, ClinGen allele CA16615688.
Genomic context (GRCh38, chr17:31,349,118, plus strand): 5'-AGATGCTTGTTCAAAAAATTAATTCTTACTTGTTTGTTTGTTTGTTTGTTTGTTTTTTGT[A>G]GGGTACAGGCATCCTTCACCTGCTATTGTTGCAAGAACAGTCAGAATTTTACATACACTA-3'

ClinVar aggregate classification (germline): Pathogenic (1 of 4 stars; one submission).

Conditions:
Neurofibromatosis, type 1 (NF1). Also called: Neurofibromatosis, type I; NEUROFIBROMATOSIS, TYPE I, SOMATIC; Peripheral type neurofibromatosis; VON RECKLINGHAUSEN DISEASE. Identifiers: Orphanet 636, MedGen C0027831, MONDO:0018975, OMIM 162200. Disease mechanism: loss of function.

Submission:

Labcorp Genetics (formerly Invitae), Labcorp
Classification: Pathogenic for Neurofibromatosis, type 1. Last evaluated: 2024-06-22. Review status: criteria provided, single submitter. Criteria: Invitae Variant Classification Sherloc (09022015). Collection method: clinical testing. Allele origin: germline.
Comment: This sequence change affects an acceptor splice site in intron 47 of the NF1 gene. It is expected to disrupt RNA splicing. Variants that disrupt the donor or acceptor splice site typically lead to a loss of protein function (PMID: 16199547), and loss-of-function variants in NF1 are known to be pathogenic (PMID: 10712197, 23913538). This variant is not present in population databases (gnomAD no frequency). Disruption of this splice site has been observed in individual(s) with neurofibromatosis type I (PMID: 16944272; Invitae). In at least one individual the variant was observed to be de novo. ClinVar contains an entry for this variant (Variation ID: 404526). Algorithms developed to predict the effect of sequence changes on RNA splicing suggest that this variant may disrupt the consensus splice site. For these reasons, this variant has been classified as Pathogenic.

Literature cited by the submitters: PubMed 16199547; PubMed 10712197; PubMed 23913538; PubMed 16944272.